The following is an entry in ClinVar:

ClinVar aggregate classification (germline): Uncertain significance (1 of 4 stars; one submission).

Conditions:
Epidermolysis bullosa simplex with nail dystrophy (EBS5D). Identifiers: MedGen C4225309, MONDO:0014661, OMIM 616487.
Epidermolysis bullosa simplex 5B, with muscular dystrophy (EBS5B). Also called: EPIDERMOLYSIS BULLOSA SIMPLEX AND LIMB-GIRDLE MUSCULAR DYSTROPHY; Epidermolysis bullosa simplex with muscular dystrophy. Identifiers: Orphanet 257, MedGen C2931072, MONDO:0009181, OMIM 226670.
Epidermolysis bullosa simplex 5C, with pyloric atresia (EBS5C). Also called: PLEC-Related Epidermolysis Bullosa with Pyloric Atresia; Epidermolysis bullosa simplex with pyloric atresia; PLEC1-Related Epidermolysis Bullosa with Pyloric Atresia. Identifiers: Orphanet 158684, MedGen C2677349, MONDO:0012807, OMIM 612138.
Autosomal recessive limb-girdle muscular dystrophy type 2Q (LGMDR17). Also called: MUSCULAR DYSTROPHY, LIMB-GIRDLE, AUTOSOMAL RECESSIVE 17. Identifiers: Orphanet 254361, MedGen C3150989, MONDO:0013390, OMIM 613723.
Epidermolysis bullosa simplex, Ogna type (EBS5A). Also called: Pidermolysis bullosa simplex 5A, Ogna type; EPIDERMOLYSIS BULLOSA SIMPLEX 5A, OGNA TYPE. Identifiers: Orphanet 79401, MedGen C0432317, MONDO:0007555, OMIM 131950.

Allele frequency attached by ClinVar (database versions not stated): gnomAD exomes 0.00002; TOPMed 0.00002; gnomAD 0.00003; ExAC 0.00006; ESP Exome Variant Server 0.00008.
gnomAD v4.1: 37 of 1,613,924 alleles (0.0023%); highest among the groups gnomAD compares: Middle Eastern, 0.016%; no homozygotes.

Submission:

Labcorp Genetics (formerly Invitae), Labcorp
Classification: Uncertain significance for Autosomal recessive limb-girdle muscular dystrophy type 2Q; Epidermolysis bullosa simplex, Ogna type; Epidermolysis bullosa simplex with nail dystrophy; Epidermolysis bullosa simplex 5C, with pyloric atresia; Epidermolysis bullosa simplex 5B, with muscular dystrophy. Last evaluated: 2023-07-31. Review status: criteria provided, single submitter. Criteria: Invitae Variant Classification Sherloc (09022015). Collection method: clinical testing. Allele origin: germline.
Comment: In summary, the available evidence is currently insufficient to determine the role of this variant in disease. Therefore, it has been classified as a Variant of Uncertain Significance. Advanced modeling of protein sequence and biophysical properties (such as structural, functional, and spatial information, amino acid conservation, physicochemical variation, residue mobility, and thermodynamic stability) performed at Invitae indicates that this missense variant is not expected to disrupt PLEC protein function. This variant is also known as p.T3521M and p.Thr3571Met. This missense change has been observed in individual(s) with autosomal recessive PLEC-related conditions (PMID: 31862442, 35815343). This variant is present in population databases (rs368982802, gnomAD 0.006%). This sequence change replaces threonine, which is neutral and polar, with methionine, which is neutral and non-polar, at codon 3544 of the PLEC protein (p.Thr3544Met).

Literature cited by the submitters: PubMed 31862442; PubMed 35815343.

NM_201384.3(PLEC):c.10550C>T (p.Thr3517Met)

Gene: PLEC (plectin; minus strand). Cytogenetic location: 8q24.3.
Variant type: single nucleotide variant.
Coding change: c.10550C>T on transcript NM_201384.3 (MANE Select); coding-DNA position 10550, C replaced by T.
Protein change: p.Thr3517Met; replaces threonine 3517 with methionine.
Molecular consequence: missense variant.
Genome position (GRCh38, 1-based): chr8:143,919,271, G>A on the plus strand (C>T on the coding strand, the complement: PLEC is on the minus strand). VCF-style: chr8-143919271-G-A. GRCh37 (hg19) VCF-style: chr8-144993439-G-A.
Other names: c.10631C>T, p.Thr3544Met (NM_000445.5); c.7250C>T, p.Thr2417Met (NM_001410941.1); c.10508C>T, p.Thr3503Met (NM_201378.4); c.10484C>T, p.Thr3495Met (NM_201379.3); c.10961C>T, p.Thr3654Met (NM_201380.4); c.10454C>T, p.Thr3485Met (NM_201381.3); c.10550C>T, p.Thr3517Met (NM_201382.4); c.10562C>T, p.Thr3521Met (NM_201383.3); short protein forms T3485M, T3495M, T3544M, T3503M, T3521M, T2417M, T3517M, T3654M.
Identifiers: ClinVar variation 2931275 (VCV002931275.3), dbSNP rs368982802, ClinGen allele CA4924614.